The following is an entry in ClinVar:

NM_000093.5(COL5A1):c.4688del (p.Pro1563fs)

Genes: COL5A1 (collagen type V alpha 1 chain; plus strand), LOC101448202 (uncharacterized LOC101448202; minus strand). Cytogenetic location: 9q34.3.
Variant type: Deletion.
Coding change: c.4688del on transcript NM_000093.5 (MANE Select); coding-DNA position 4688, one base deleted (C; older notation c.4688delC).
Protein change: p.Pro1563fs; shifts the reading frame from proline 1563.
Molecular consequence: frameshift variant.
Genome position (GRCh38, 1-based): chr9:134,823,459, C deleted; the last of 5 consecutive C bases (chr9:134,823,455-134,823,459); deleting any one gives the same sequence. VCF-style (leftmost placement, unchanged base first): chr9-134823454-AC-A. GRCh37 (hg19) VCF-style: chr9-137715300-AC-A.
Other names: c.4688del, p.Pro1563fs (NM_001278074.1); short protein forms P1563fs.
Identifiers: ClinVar variation 3655021 (VCV003655021.2).
Genomic context (GRCh38, chr9:134,823,454, plus strand): 5'-TGATTCTTTTCTTTCTCCCCAGGGTCCAACTGGCCCGAAGGGTGAGGCAGGCCACCCAGG[AC>A]CCCCAGGCCCCCCGGTAAGTAGCCCTTGAAGCCCAGAAAGCGGGACGGGGGCTCTGGCTA-3'

ClinVar aggregate classification (germline): Pathogenic (1 of 4 stars; one submission).

Conditions:
Ehlers-Danlos syndrome, classic type, 1 (EDSCL1). Also called: EHLERS-DANLOS SYNDROME, GRAVIS TYPE; EHLERS-DANLOS SYNDROME, SEVERE CLASSIC TYPE; Ehlers-Danlos syndrome, type 1; Ehlers-Danlos Syndrome, Classic Type, COL5A1-Related; EDS I. Identifiers: MedGen C0268335, MONDO:0019567, OMIM 130000.

Submission:

Labcorp Genetics (formerly Invitae), Labcorp
Classification: Pathogenic for Ehlers-Danlos syndrome, classic type, 1. Last evaluated: 2025-05-26. Review status: criteria provided, single submitter. Criteria: Invitae Variant Classification Sherloc (09022015). Collection method: clinical testing. Allele origin: germline.
Comment: This sequence change creates a premature translational stop signal (p.Pro1563Glnfs*56) in the COL5A1 gene. It is expected to result in an absent or disrupted protein product. Loss-of-function variants in COL5A1 are known to be pathogenic (PMID: 23587214). This variant is not present in population databases (gnomAD no frequency). This variant has not been reported in the literature in individuals affected with COL5A1-related conditions. ClinVar contains an entry for this variant (Variation ID: 3655021). For these reasons, this variant has been classified as Pathogenic.

Literature cited by the submitters: PubMed 23587214.